The following is an entry in ClinVar:

ClinVar aggregate classification (germline): Likely benign. Review status: criteria provided, multiple submitters, no conflicts (2 of 4 stars). 3 submissions from 3 submitters: Likely benign (3). Last evaluated 2026-08-20.

Conditions:
Familial thoracic aortic aneurysm and aortic dissection (TAAD). Also called: Thoracic aortic aneurysms and dissections. Identifiers: Orphanet 91387, MedGen C4707243, MONDO:0019625.
Hereditary cancer-predisposing syndrome. Also called: Neoplastic Syndromes, Hereditary; Hereditary Cancer Syndrome; Tumor predisposition; Hereditary neoplastic syndrome. Identifiers: Orphanet 140162, MedGen C0027672, MeSH D009386, MONDO:0015356.
Juvenile polyposis syndrome (JPS). Identifiers: Orphanet 2929, MedGen C0345893, MONDO:0017380, OMIM 174900.
SMAD4-related disorder. Also called: SMAD4-related condition; SMAD4-Related disorders.

gnomAD v4.1: 1 of 1,612,882 alleles (0.000062%); highest among the groups gnomAD compares: African/African-American, 0.0013%; no homozygotes.

Submissions (3):

PreventionGenetics, part of Exact Sciences
Classification: Likely benign for SMAD4-related condition. Last evaluated: 2026-08-20. Review status: criteria provided, single submitter. Criteria: ACMG Guidelines, 2015. Collection method: clinical testing. Allele origin: germline.
Comment: This variant is classified as likely benign based on ACMG/AMP sequence variant interpretation guidelines (Richards et al. 2015 PMID: 25741868, with internal and published modifications).

Labcorp Genetics (formerly Invitae), Labcorp
Classification: Likely benign for Juvenile polyposis syndrome. Last evaluated: 2024-12-26. Review status: criteria provided, single submitter. Criteria: Invitae Variant Classification Sherloc (09022015). Collection method: clinical testing. Allele origin: germline.

Ambry Genetics
Classification: Likely benign for Hereditary cancer-predisposing syndrome; Familial thoracic aortic aneurysm and aortic dissection. Last evaluated: 2020-03-19. Review status: criteria provided, single submitter. Criteria: Ambry Variant Classification Scheme 2023. Collection method: clinical testing. Allele origin: germline.

NM_005359.6(SMAD4):c.420A>C (p.Gly140=)

Gene: SMAD4 (SMAD family member 4; plus strand). Cytogenetic location: 18q21.2.
Variant type: single nucleotide variant.
Coding change: c.420A>C on transcript NM_005359.6 (MANE Select); coding-DNA position 420, A replaced by C.
Protein change: p.Gly140=; no amino-acid change (glycine 140 retained).
Molecular consequence: synonymous variant.
Genome position (GRCh38, 1-based): chr18:51,048,856, A>C. VCF-style: chr18-51048856-A-C. GRCh37 (hg19) VCF-style: chr18-48575226-A-C.
Identifiers: ClinVar variation 796971 (VCV000796971.14), dbSNP rs1599182589, ClinGen allele CA503873636.